The following is an entry in ClinVar:

NM_000435.3(NOTCH3):c.2236G>A (p.Gly746Ser)

Gene: NOTCH3 (notch receptor 3; minus strand). Cytogenetic location: 19p13.12.
Variant type: single nucleotide variant.
Coding change: c.2236G>A on transcript NM_000435.3 (MANE Select); coding-DNA position 2236, G replaced by A.
Protein change: p.Gly746Ser; replaces glycine 746 with serine.
Molecular consequence: missense variant.
Genome position (GRCh38, 1-based): chr19:15,185,317, C>T on the plus strand (G>A on the coding strand, the complement: NOTCH3 is on the minus strand). VCF-style: chr19-15185317-C-T. GRCh37 (hg19) VCF-style: chr19-15296128-C-T.
Other names: short protein forms G746S.
Identifiers: ClinVar variation 3693236 (VCV003693236.2).

ClinVar aggregate classification (germline): Uncertain significance (1 of 4 stars; one submission).

gnomAD v4.1: 9 of 1,613,010 alleles (0.00056%); highest among the groups gnomAD compares: East Asian, 0.0022%; no homozygotes.

Submission:

Labcorp Genetics (formerly Invitae), Labcorp
Classification: Uncertain significance. Last evaluated: 2024-03-12. Review status: criteria provided, single submitter. Criteria: Invitae Variant Classification Sherloc (09022015). Collection method: clinical testing. Allele origin: germline.
Comment: This sequence change replaces glycine, which is neutral and non-polar, with serine, which is neutral and polar, at codon 746 of the NOTCH3 protein (p.Gly746Ser). This variant is present in population databases (no rsID available, gnomAD 0.003%). This variant has not been reported in the literature in individuals affected with NOTCH3-related conditions. Advanced modeling of protein sequence and biophysical properties (such as structural, functional, and spatial information, amino acid conservation, physicochemical variation, residue mobility, and thermodynamic stability) performed at Invitae indicates that this missense variant is not expected to disrupt NOTCH3 protein function with a negative predictive value of 95%. In summary, the available evidence is currently insufficient to determine the role of this variant in disease. Therefore, it has been classified as a Variant of Uncertain Significance.